The following is an entry in ClinVar:

ClinVar aggregate classification (germline): Uncertain significance. Review status: criteria provided, multiple submitters, no conflicts (2 of 4 stars). 2 submissions from 2 submitters: Uncertain significance (2). Last evaluated 2024-12-14.

Conditions:
Baller-Gerold syndrome (BGS). Also called: CRANIOSYNOSTOSIS WITH RADIAL DEFECTS. Identifiers: Orphanet 1225, MedGen C0265308, MONDO:0009039, OMIM 218600.
Inborn genetic diseases. Identifiers: MedGen C0950123, MeSH D030342.

Allele frequency attached by ClinVar (database versions not stated): TOPMed 0.00003; gnomAD 0.00004.
gnomAD v4.1: 8 of 1,610,340 alleles (0.0005%); highest among the groups gnomAD compares: Middle Eastern, 0.016%; no homozygotes.

Submissions (2):

Ambry Genetics
Classification: Uncertain significance for Inborn genetic diseases. Last evaluated: 2024-12-14. Review status: criteria provided, single submitter. Criteria: Ambry Variant Classification Scheme 2023. Collection method: clinical testing. Allele origin: germline.
Comment: The p.T116I variant (also known as c.347C>T), located in coding exon 4 of the RECQL4 gene, results from a C to T substitution at nucleotide position 347. The threonine at codon 116 is replaced by isoleucine, an amino acid with similar properties. This amino acid position is conserved. In addition, this alteration is predicted to be tolerated by in silico analysis. Based on the available evidence, the clinical significance of this variant remains unclear.

Labcorp Genetics (formerly Invitae), Labcorp
Classification: Uncertain significance for Baller-Gerold syndrome. Last evaluated: 2024-04-08. Review status: criteria provided, single submitter. Criteria: Invitae Variant Classification Sherloc (09022015). Collection method: clinical testing. Allele origin: germline.
Comment: This sequence change replaces threonine, which is neutral and polar, with isoleucine, which is neutral and non-polar, at codon 116 of the RECQL4 protein (p.Thr116Ile). This variant is present in population databases (rs565419066, gnomAD 0.007%). This variant has not been reported in the literature in individuals affected with RECQL4-related conditions. ClinVar contains an entry for this variant (Variation ID: 998629). Advanced modeling of protein sequence and biophysical properties (such as structural, functional, and spatial information, amino acid conservation, physicochemical variation, residue mobility, and thermodynamic stability) performed at Invitae indicates that this missense variant is not expected to disrupt RECQL4 protein function with a negative predictive value of 80%. In summary, the available evidence is currently insufficient to determine the role of this variant in disease. Therefore, it has been classified as a Variant of Uncertain Significance.

NM_004260.4(RECQL4):c.347C>T (p.Thr116Ile)

Gene: RECQL4 (RecQ like helicase 4; minus strand). Cytogenetic location: 8q24.3.
Variant type: single nucleotide variant.
Coding change: c.347C>T on transcript NM_004260.4 (MANE Select); coding-DNA position 347, C replaced by T.
Protein change: p.Thr116Ile; replaces threonine 116 with isoleucine.
Molecular consequence: missense variant.
Genome position (GRCh38, 1-based): chr8:144,517,057, G>A on the plus strand (C>T on the coding strand, the complement: RECQL4 is on the minus strand). VCF-style: chr8-144517057-G-A. GRCh37 (hg19) VCF-style: chr8-145742441-G-A.
Other names: c.347C>T (NM_004260.3); short protein forms T116I.
Identifiers: ClinVar variation 998629 (VCV000998629.6), dbSNP rs565419066, ClinGen allele CA4949369.